The following is an entry in ClinVar:

ClinVar aggregate classification (germline): Uncertain significance (1 of 4 stars; one submission).

Conditions:
TSHR-related disorder. Also called: TSHR-related condition; TSHR-related disorders.

Allele frequency attached by ClinVar (database versions not stated): ExAC 0.00001; gnomAD 0.00001; TOPMed 0.00002.
gnomAD v4.1: 62 of 1,604,870 alleles (0.0039%); highest among the groups gnomAD compares: Non-Finnish European, 0.005%; no homozygotes.

Submission:

PreventionGenetics, part of Exact Sciences
Classification: Uncertain significance for TSHR-related condition. Last evaluated: 2023-03-01. Review status: criteria provided, single submitter. Criteria: ACMG Guidelines, 2015. Collection method: clinical testing. Allele origin: germline.
Comment: The TSHR c.242+6T>G variant is predicted to interfere with splicing. To our knowledge, this variant has not been reported in the literature. This variant is reported in 0.0036% of alleles in individuals of European (Non-Finnish) descent in gnomAD. At this time, the clinical significance of this variant is uncertain due to the absence of conclusive functional and genetic evidence.

NM_000369.5(TSHR):c.242+6T>G

Genes: TSHR-AS1 (TSHR antisense RNA 1; minus strand), TSHR (thyroid stimulating hormone receptor; plus strand). Cytogenetic location: 14q31.1.
Variant type: single nucleotide variant.
Coding change: c.242+6T>G on transcript NM_000369.5 (MANE Select); 6 bases into the intron after coding-DNA position 242, T replaced by G.
Molecular consequence: intron variant.
Genome position (GRCh38, 1-based): chr14:81,062,225, T>G. VCF-style: chr14-81062225-T-G. GRCh37 (hg19) VCF-style: chr14-81528569-T-G.
Other names: c.242+6T>G (NM_001142626.3, NM_001018036.3).
Identifiers: ClinVar variation 2637387 (VCV002637387.1), dbSNP rs767212435, ClinGen allele CA7294037.